The following is an entry in ClinVar:

ClinVar aggregate classification (germline): Uncertain significance. Review status: criteria provided, multiple submitters, no conflicts (2 of 4 stars). 2 submissions from 2 submitters: Uncertain significance (2). Last evaluated 2024-11-12.

Conditions:
Tumor predisposition syndrome 3 (TPDS3). Also called: LONG TELOMERE SYNDROME, POT1-RELATED; POT1 Tumor Predisposition; Glioma susceptibility 9; Melanoma, cutaneous malignant, susceptibility to, 10. Identifiers: Orphanet 618, MedGen C4014476, MONDO:0014368, OMIM 615848.
Hereditary cancer-predisposing syndrome. Also called: Hereditary Cancer Syndrome; Neoplastic Syndromes, Hereditary; Hereditary neoplastic syndrome; Tumor predisposition. Identifiers: Orphanet 140162, MedGen C0027672, MeSH D009386, MONDO:0015356.

Allele frequency attached by ClinVar (database versions not stated): gnomAD exomes below 0.00001.
gnomAD v4.1: 5 of 1,607,504 alleles (0.00031%); highest among the groups gnomAD compares: Non-Finnish European, 0.00043%; no homozygotes.

Submissions (2):

Ambry Genetics
Classification: Uncertain significance for Hereditary cancer-predisposing syndrome. Last evaluated: 2024-11-12. Review status: criteria provided, single submitter. Criteria: Ambry Variant Classification Scheme 2023. Collection method: clinical testing. Allele origin: germline.

Labcorp Genetics (formerly Invitae), Labcorp
Classification: Uncertain significance for Tumor predisposition syndrome 3. Last evaluated: 2024-02-19. Review status: criteria provided, single submitter. Criteria: Invitae Variant Classification Sherloc (09022015). Collection method: clinical testing. Allele origin: germline.
Comment: This sequence change replaces leucine, which is neutral and non-polar, with phenylalanine, which is neutral and non-polar, at codon 197 of the POT1 protein (p.Leu197Phe). This variant is not present in population databases (gnomAD no frequency). This variant has not been reported in the literature in individuals affected with POT1-related conditions. ClinVar contains an entry for this variant (Variation ID: 1411555). Advanced modeling of protein sequence and biophysical properties (such as structural, functional, and spatial information, amino acid conservation, physicochemical variation, residue mobility, and thermodynamic stability) performed at Invitae indicates that this missense variant is not expected to disrupt POT1 protein function with a negative predictive value of 80%. RNA analysis performed to evaluate the impact of this missense change on mRNA splicing indicates it does not significantly alter splicing (Invitae). In summary, the available evidence is currently insufficient to determine the role of this variant in disease. Therefore, it has been classified as a Variant of Uncertain Significance.

NM_015450.3(POT1):c.591A>C (p.Leu197Phe)

Gene: POT1 (protection of telomeres 1; minus strand). Cytogenetic location: 7q31.33.
Variant type: single nucleotide variant.
Coding change: c.591A>C on transcript NM_015450.3 (MANE Select); coding-DNA position 591, A replaced by C.
Protein change: p.Leu197Phe; replaces leucine 197 with phenylalanine.
Molecular consequence: missense variant. On other transcripts: non-coding transcript variant (3).
Genome position (GRCh38, 1-based): chr7:124,859,068, T>G on the plus strand (A>C on the coding strand, the complement: POT1 is on the minus strand). VCF-style: chr7-124859068-T-G. GRCh37 (hg19) VCF-style: chr7-124499122-T-G.
Other names: c.198A>C, p.Leu66Phe (NM_001042594.2); c.591A>C (NM_015450.2); short protein forms L197F, L66F.
Identifiers: ClinVar variation 1411555 (VCV001411555.10), dbSNP rs1795518187, ClinGen allele CA369056666.